The following is an entry in ClinVar:

ClinVar aggregate classification (germline): Uncertain significance (1 of 4 stars; one submission).

Conditions:
Arrhythmogenic right ventricular dysplasia 13. Also called: ARRHYTHMOGENIC RIGHT VENTRICULAR CARDIOMYOPATHY 13; Arrhythmogenic right ventricular dysplasia, familial, 13. Identifiers: MedGen C3810138, MONDO:0000908, OMIM 615616.

Submission:

Labcorp Genetics (formerly Invitae), Labcorp
Classification: Uncertain significance for Arrhythmogenic right ventricular dysplasia 13. Last evaluated: 2023-04-19. Review status: criteria provided, single submitter. Criteria: Invitae Variant Classification Sherloc (09022015). Collection method: clinical testing. Allele origin: germline.
Comment: This sequence change replaces leucine, which is neutral and non-polar, with proline, which is neutral and non-polar, at codon 170 of the CTNNA3 protein (p.Leu170Pro). This variant is not present in population databases (gnomAD no frequency). In summary, the available evidence is currently insufficient to determine the role of this variant in disease. Therefore, it has been classified as a Variant of Uncertain Significance. Advanced modeling of protein sequence and biophysical properties (such as structural, functional, and spatial information, amino acid conservation, physicochemical variation, residue mobility, and thermodynamic stability) has been performed at Invitae for this missense variant, however the output from this modeling did not meet the statistical confidence thresholds required to predict the impact of this variant on CTNNA3 protein function. This variant has not been reported in the literature in individuals affected with CTNNA3-related conditions.

NM_013266.4(CTNNA3):c.509T>C (p.Leu170Pro)

Gene: CTNNA3 (catenin alpha 3; minus strand). Cytogenetic location: 10q21.3.
Variant type: single nucleotide variant.
Coding change: c.509T>C on transcript NM_013266.4 (MANE Select); coding-DNA position 509, T replaced by C.
Protein change: p.Leu170Pro; replaces leucine 170 with proline.
Molecular consequence: missense variant.
Genome position (GRCh38, 1-based): chr10:67,521,912, A>G on the plus strand (T>C on the coding strand, the complement: CTNNA3 is on the minus strand). VCF-style: chr10-67521912-A-G. GRCh37 (hg19) VCF-style: chr10-69281670-A-G.
Other names: c.509T>C, p.Leu170Pro (NM_001127384.3); c.545T>C, p.Leu182Pro (NM_001291133.2); short protein forms L182P, L170P.
Identifiers: ClinVar variation 3014510 (VCV003014510.3), dbSNP rs2492398584, ClinGen allele CA377097579.
Genomic context (GRCh38, chr10:67,521,912, plus strand): 5'-TTGAAGGCTAAATAATCCAAATTTTCCAGCTCCTTCCCAAGCTTCTGGTAGGTTTTCTGG[A>G]GGTCAGATTTGTTGGCAACATTTTTGAGAGACTCAAATGTCCTTTGAAACTGAAATTGAA-3'
Protein context (NP_037398.2, residues 160-180): SLKNVANKSD[Leu170Pro]QKTYQKLGKE